The following is an entry in ClinVar:

NM_001105192.3(TLE3):c.921C>T (p.Asn307=)

Gene: TLE3 (TLE family member 3, transcriptional corepressor; minus strand). Cytogenetic location: 15q23.
Variant type: single nucleotide variant.
Coding change: c.921C>T on transcript NM_001105192.3 (MANE Select); coding-DNA position 921, C replaced by T.
Protein change: p.Asn307=; no amino-acid change (asparagine 307 retained).
Molecular consequence: synonymous variant.
Genome position (GRCh38, 1-based): chr15:70,058,289, G>A on the plus strand (C>T on the coding strand, the complement: TLE3 is on the minus strand). VCF-style: chr15-70058289-G-A. GRCh37 (hg19) VCF-style: chr15-70350628-G-A.
Other names: c.921C>T, p.Asn307= (NM_001282979.2, NM_001282980.2, NM_005078.4 and 1 more transcripts); c.900C>T, p.Asn300= (NM_001282981.2); c.753C>T, p.Asn251= (NM_001282982.2).
Identifiers: ClinVar variation 2645496 (VCV002645496.24), dbSNP rs200743621, ClinGen allele CA7636103.

ClinVar aggregate classification (germline): Likely benign (1 of 4 stars; one submission).

Allele frequency attached by ClinVar (database versions not stated): 1000 Genomes Project 0.00020; 1000 Genomes Project 30x 0.00031; ESP Exome Variant Server 0.00041; TOPMed 0.00050; gnomAD exomes 0.00074; ExAC 0.00090; gnomAD 0.00097.
gnomAD v4.1: 1,225 of 1,603,718 alleles (0.076%); highest among the groups gnomAD compares: Non-Finnish European, 0.082%; 1 homozygote.

Submission:

CeGaT Center for Human Genetics Tuebingen
Classification: Likely benign. Last evaluated: 2023-02-01. Review status: criteria provided, single submitter. Criteria: CeGaT Center For Human Genetics Tuebingen Variant Classification Criteria Version 2. Collection method: clinical testing. Allele origin: germline. Affected: yes. Observed: 1 variant allele.
Comment: TLE3: BP4, BP7